The following is an entry in ClinVar:

NM_000540.3(RYR1):c.2662C>T (p.Gln888Ter)

Gene: RYR1 (ryanodine receptor 1; plus strand). Cytogenetic location: 19q13.2.
Variant type: single nucleotide variant.
Coding change: c.2662C>T on transcript NM_000540.3 (MANE Select); coding-DNA position 2662, C replaced by T.
Protein change: p.Gln888Ter; replaces glutamine 888 with a stop codon.
Molecular consequence: nonsense.
Genome position (GRCh38, 1-based): chr19:38,463,507, C>T. VCF-style: chr19-38463507-C-T. GRCh37 (hg19) VCF-style: chr19-38954147-C-T.
Other names: c.2662C>T, p.Gln888Ter (NM_001042723.2); short protein forms Q888*.
Identifiers: ClinVar variation 3013531 (VCV003013531.7), dbSNP rs141838633, ClinGen allele CA308074259.
Genomic context (GRCh38, chr19:38,463,507, plus strand): 5'-CGCATTCGGGAGAAGCTGGCGGAGAACATCCACGAGCTCTGGGCGCTAACCCGCATCGAG[C>T]AGGGCTGGACCTACGGCCCGGTGAGGGGCTGCCTGCAGCCTGCGGGAGGCCGGCTAGACT-3'

ClinVar aggregate classification (germline): Conflicting classifications of pathogenicity. Review status: criteria provided, conflicting classifications (1 of 4 stars). 3 submissions from 3 submitters: Pathogenic (2); Uncertain significance (1). Last evaluated 2025-03-14.

Conditions:
Malignant hyperthermia, susceptibility to, 1 (MHS1). Also called: Anesthesia related hyperthermia; Malignant hyperpyrexia; Fulminating hyperpyrexia; Pharmacogenic myopathy; RYR1-Related Malignant Hyperthermia Susceptibility; Malignant hyperthermia suceptibility 1. Identifiers: Orphanet 423, MedGen C2930980, MONDO:0007783, OMIM 145600.
RYR1-related disorder. Also called: RYR1-related condition; RYR1-related disorders. Identifiers: MedGen CN239331.

Allele frequency attached by ClinVar (database versions not stated): TOPMed below 0.00001; ESP Exome Variant Server 0.00008.

Submissions (3):

GeneDx
Classification: Pathogenic. Last evaluated: 2025-03-14. Review status: criteria provided, single submitter. Criteria: GeneDx Variant Classification Process June 2021. Collection method: clinical testing. Allele origin: germline.
Comment: Nonsense variant predicted to result in protein truncation or nonsense mediated decay in a gene for which loss of function is a known mechanism of disease; Not observed at significant frequency in large population cohorts (gnomAD); Has not been previously published as pathogenic or benign to our knowledge

All of Us Research Program, National Institutes of Health
Classification: Uncertain significance for Malignant hyperthermia, susceptibility to, 1. Last evaluated: 2024-03-24. Review status: criteria provided, single submitter. Criteria: ACMG Guidelines, 2015. Collection method: clinical testing. Allele origin: germline. Inheritance: Autosomal dominant inheritance. Observed: 2 variant alleles, 2 heterozygotes.
Comment: This variant changes 1 nucleotide in exon 21 of the RYR1 gene, creating a premature translation stop signal. This variant is expected to result in an absent or non-functional protein product. To our knowledge, this variant has not been reported in individuals affected with RYR1-related disorders in the literature. This variant has not been identified in the general population by the Genome Aggregation Database (gnomAD). Loss of RYR1 function due to truncation variants is not an established disease mechanism for autosomal dominant malignant hyperthermia, although it is associated with other phenotype(s). The available evidence is insufficient to determine the role of this variant in autosomal dominant malignant hyperthermia susceptibility conclusively. Therefore, this variant is classified as a Variant of Uncertain Significance.

This study involves interpretation of variants in research participants for the purpose of population health screening. Participant phenotype was not available at the time of variant classification. Additional details can be found in publication PMID: 35346344, PMCID: PMC8962531

Labcorp Genetics (formerly Invitae), Labcorp
Classification: Pathogenic for RYR1-related disorder. Last evaluated: 2023-07-15. Review status: criteria provided, single submitter. Criteria: Invitae Variant Classification Sherloc (09022015). Collection method: clinical testing. Allele origin: germline.
Comment: This variant is not present in population databases (gnomAD no frequency). This sequence change creates a premature translational stop signal (p.Gln888*) in the RYR1 gene. It is expected to result in an absent or disrupted protein product. Loss-of-function variants in RYR1 are known to be pathogenic (PMID: 23919265, 25960145, 28818389, 30611313). This variant has not been reported in the literature in individuals affected with RYR1-related conditions. For these reasons, this variant has been classified as Pathogenic.

Literature cited by the submitters: PubMed 23919265 (cited by Labcorp Genetics (formerly Invitae), Labcorp); PubMed 25960145 (cited by Labcorp Genetics (formerly Invitae), Labcorp); PubMed 28818389 (cited by Labcorp Genetics (formerly Invitae), Labcorp); PubMed 30611313 (cited by Labcorp Genetics (formerly Invitae), Labcorp).